The following is an entry in ClinVar:

NM_001130987.2(DYSF):c.2816C>T (p.Ser939Leu)

Gene: DYSF (dysferlin; plus strand). Cytogenetic location: 2p13.2.
Variant type: single nucleotide variant.
Coding change: c.2816C>T on transcript NM_001130987.2 (MANE Select); coding-DNA position 2816, C replaced by T.
Protein change: p.Ser939Leu; replaces serine 939 with leucine.
Molecular consequence: missense variant.
Genome position (GRCh38, 1-based): chr2:71,568,290, C>T. VCF-style: chr2-71568290-C-T. GRCh37 (hg19) VCF-style: chr2-71795420-C-T.
Other names: c.2765C>T, p.Ser922Leu (NM_001130455.2, NM_001130983.2); c.2720C>T, p.Ser907Leu (NM_001130976.2, NM_001130977.2); c.2762C>T, p.Ser921Leu (NM_001130978.2, NM_003494.4); c.2855C>T, p.Ser952Leu (NM_001130979.2); c.2813C>T, p.Ser938Leu (NM_001130980.2, NM_001130981.2); c.2858C>T, p.Ser953Leu (NM_001130982.2); c.2723C>T, p.Ser908Leu (NM_001130984.2, NM_001130986.2); c.2816C>T, p.Ser939Leu (NM_001130985.2); short protein forms S921L, S939L, S938L, S907L, S952L, S953L, S908L, S922L.
Identifiers: ClinVar variation 554573 (VCV000554573.3), dbSNP rs535323489, ClinGen allele CA1706288.
Genomic context (GRCh38, chr2:71,568,290, plus strand): 5'-ACCCCAAGTTTTCTGACGTCACGGGCAAGATCAAGCTACCCAAGGACAGCTTCCGCCCCT[C>T]GGCCGGCTGGACCTGGGCTGGAGATTGGTTCGTGTGTCCGGAGAAGACGTGAGTCGTGGG-3'
Protein context (NP_001124459.1, residues 929-949): IKLPKDSFRP[Ser939Leu]AGWTWAGDWF

ClinVar aggregate classification (germline): Uncertain significance. Review status: criteria provided, single submitter (1 of 4 stars). 2 submissions from 2 submitters: Uncertain significance (1). 1 of the submissions does not count toward it. Last evaluated 2023-11-10.

Conditions:
Autosomal recessive limb-girdle muscular dystrophy type 2B (LGMDR2). Also called: Limb-Girdle Muscular Dystrophy Type 2B (LGMD2B); MUSCULAR DYSTROPHY, LIMB-GIRDLE, TYPE 3; Limb-girdle muscular dystrophy, type 2B; MUSCULAR DYSTROPHY, LIMB-GIRDLE, AUTOSOMAL RECESSIVE 2. Identifiers: Orphanet 268, MedGen C1850889, MONDO:0009676, OMIM 253601.

Allele frequency attached by ClinVar (database versions not stated): gnomAD exomes below 0.00001 and 0.00002; TOPMed below 0.00001; gnomAD 0.00001; ExAC 0.00002; 1000 Genomes Project 30x 0.00016; 1000 Genomes Project 0.00020.
gnomAD v4.1: 8 of 1,614,204 alleles (0.0005%); highest among the groups gnomAD compares: South Asian, 0.0022%; no homozygotes.

Submissions (2):

Women's Health and Genetics/Laboratory Corporation of America, LabCorp
Classification: Uncertain significance. Last evaluated: 2023-11-10. Review status: criteria provided, single submitter. Criteria: LabCorp Variant Classification Summary - May 2015. Collection method: clinical testing. Allele origin: germline.
Comment: Variant summary: DYSF c.2762C>T (p.Ser921Leu) results in a non-conservative amino acid change located in the Peroxin/Ferlin domain (IPR006614) of the encoded protein sequence. Five of five in-silico tools predict a damaging effect of the variant on protein function. The variant allele was found at a frequency of 1.6e-05 in 251134 control chromosomes (gnomAD). The available data on variant occurrences in the general population are insufficient to allow any conclusion about variant significance. c.2762C>T has been reported in the literature in an individual affected HyperCKemia (example: Su-Quin_2016, and Yu_2017). These report(s) do not provide unequivocal conclusions about association of the variant with Limb-Girdle Muscular Dystrophy, Autosomal Recessive. To our knowledge, no experimental evidence demonstrating an impact on protein function has been reported. The following publications have been ascertained in the context of this evaluation (PMID: 27647186, 28403181). One submitter has cited clinical-significance assessments for this variant to ClinVar after 2014 and has classified the variant as uncertain significance. Based on the evidence outlined above, the variant was classified as uncertain significance.

Counsyl
Classification: Uncertain significance for Autosomal recessive limb-girdle muscular dystrophy type 2B. Last evaluated: 2017-10-25. Review status: no assertion criteria provided. Collection method: clinical testing. Allele origin: unknown. Not counted in ClinVar's aggregate classification.

Literature cited by the submitters: PubMed 28403181 (cited by Women's Health and Genetics/Laboratory Corporation of America, LabCorp); PubMed 27647186 (cited by Women's Health and Genetics/Laboratory Corporation of America, LabCorp and Counsyl).